The following is an entry in ClinVar:

ClinVar aggregate classification (germline): Likely benign (1 of 4 stars; one submission).

Submission:

GeneDx
Classification: Likely benign. Last evaluated: 2018-02-20. Review status: criteria provided, single submitter. Criteria: GeneDx Variant Classification (06012015). Collection method: clinical testing. Allele origin: germline. Affected: yes.
Comment: This variant is considered likely benign or benign based on one or more of the following criteria: it is a conservative change, it occurs at a poorly conserved position in the protein, it is predicted to be benign by multiple in silico algorithms, and/or has population frequency not consistent with disease.

NM_001267550.2(TTN):c.78191G>C (p.Arg26064Thr)

Genes: TTN (titin; minus strand), TTN-AS1 (TTN antisense RNA 1; plus strand). Cytogenetic location: 2q31.2.
Variant type: single nucleotide variant.
Coding change: c.78191G>C on transcript NM_001267550.2 (MANE Select); coding-DNA position 78191, G replaced by C.
Protein change: p.Arg26064Thr; replaces arginine 26064 with threonine.
Molecular consequence: missense variant.
Genome position (GRCh38, 1-based): chr2:178,567,941, C>G on the plus strand (G>C on the coding strand, the complement: TTN is on the minus strand). VCF-style: chr2-178567941-C-G. GRCh37 (hg19) VCF-style: chr2-179432668-C-G.
Other names: c.73268G>C, p.Arg24423Thr (NM_001256850.1); c.50996G>C, p.Arg16999Thr (NM_003319.4); c.70487G>C, p.Arg23496Thr (NM_133378.4); c.51371G>C, p.Arg17124Thr (NM_133432.3); c.51572G>C, p.Arg17191Thr (NM_133437.4); short protein forms R24423T, R26064T, R17191T, R17124T, R16999T, R23496T.
Identifiers: ClinVar variation 516333 (VCV000516333.1), dbSNP rs1553596652, ClinGen allele CA349603555.